The following is an entry in ClinVar:

NM_001386298.1(CIC):c.6409A>G (p.Thr2137Ala)

Gene: CIC (capicua transcriptional repressor; plus strand). Cytogenetic location: 19q13.2.
Variant type: single nucleotide variant.
Coding change: c.6409A>G on transcript NM_001386298.1 (MANE Select); coding-DNA position 6409, A replaced by G.
Protein change: p.Thr2137Ala; replaces threonine 2137 with alanine.
Molecular consequence: missense variant.
Genome position (GRCh38, 1-based): chr19:42,293,168, A>G. VCF-style: chr19-42293168-A-G. GRCh37 (hg19) VCF-style: chr19-42797320-A-G.
Other names: c.6409A>G, p.Thr2137Ala (NM_001304815.2, NM_001379482.1, NM_001379483.1); c.6406A>G, p.Thr2136Ala (NM_001379480.1); c.3682A>G, p.Thr1228Ala (NM_001379484.1, NM_001379485.1, NM_015125.5); short protein forms T1228A, T2136A, T2137A.
Identifiers: ClinVar variation 2236160 (VCV002236160.15), dbSNP rs771342386, ClinGen allele CA9472698.

ClinVar aggregate classification (germline): Likely benign. Review status: criteria provided, multiple submitters, no conflicts (2 of 4 stars). 2 submissions from 2 submitters: Likely benign (2). Last evaluated 2025-02-01.

Conditions:
Inborn genetic diseases. Identifiers: MedGen C0950123, MeSH D030342.

Allele frequency attached by ClinVar (database versions not stated): TOPMed below 0.00001; gnomAD exomes 0.00004; ExAC 0.00009.
gnomAD v4.1: 28 of 1,603,270 alleles (0.0017%); highest among the groups gnomAD compares: South Asian, 0.013%; no homozygotes.

Submissions (2):

CeGaT Center for Human Genetics Tuebingen
Classification: Likely benign. Last evaluated: 2025-02-01. Review status: criteria provided, single submitter. Criteria: CeGaT Center For Human Genetics Tuebingen Variant Classification Criteria Version 2. Collection method: clinical testing. Allele origin: germline. Affected: yes. Observed: 2 variant alleles.
Comment: CIC: BP4

Ambry Genetics
Classification: Likely benign for Inborn genetic diseases. Last evaluated: 2021-08-13. Review status: criteria provided, single submitter. Criteria: Ambry Variant Classification Scheme 2023. Collection method: clinical testing. Allele origin: germline.